The following is an entry in ClinVar:

NM_031448.6(C19orf12):c.394G>C (p.Glu132Gln)

Gene: C19orf12 (chromosome 19 open reading frame 12; minus strand). Cytogenetic location: 19q12.
Variant type: single nucleotide variant.
Coding change: c.394G>C on transcript NM_031448.6 (MANE Select); coding-DNA position 394, G replaced by C.
Protein change: p.Glu132Gln; replaces glutamic acid 132 with glutamine.
Molecular consequence: missense variant. On other transcripts: 3 prime UTR variant (1).
Genome position (GRCh38, 1-based): chr19:29,702,744, C>G on the plus strand (G>C on the coding strand, the complement: C19orf12 is on the minus strand). VCF-style: chr19-29702744-C-G. GRCh37 (hg19) VCF-style: chr19-30193651-C-G.
Other names: c.394G>C, p.Glu132Gln (NM_001031726.4, NM_001256047.2); c.*15G>C (NM_001256046.3); c.202G>C, p.Glu68Gln (NM_001282929.1, NM_001282930.3, NM_001282931.3); short protein forms E132Q, E68Q.
Identifiers: ClinVar variation 2157374 (VCV002157374.4), dbSNP rs1470139009, ClinGen allele CA405142307.

ClinVar aggregate classification (germline): Uncertain significance (1 of 4 stars; one submission).

Conditions:
Hereditary spastic paraplegia 43. Also called: Spastic paraplegia 43, autosomal recessive. Identifiers: Orphanet 320370, MedGen C2680446, MONDO:0014024, OMIM 615043.

Allele frequency attached by ClinVar (database versions not stated): gnomAD exomes below 0.00001.

Submission:

Labcorp Genetics (formerly Invitae), Labcorp
Classification: Uncertain significance for Hereditary spastic paraplegia 43. Last evaluated: 2022-04-26. Review status: criteria provided, single submitter. Criteria: Invitae Variant Classification Sherloc (09022015). Collection method: clinical testing. Allele origin: germline.
Comment: This sequence change replaces glutamic acid, which is acidic and polar, with glutamine, which is neutral and polar, at codon 143 of the C19orf12 protein (p.Glu143Gln). This variant is not present in population databases (gnomAD no frequency). This variant has not been reported in the literature in individuals affected with C19orf12-related conditions. Algorithms developed to predict the effect of missense changes on protein structure and function are either unavailable or do not agree on the potential impact of this missense change (SIFT: "Tolerated"; PolyPhen-2: "Probably Damaging"; Align-GVGD: "Class C0"). In summary, the available evidence is currently insufficient to determine the role of this variant in disease. Therefore, it has been classified as a Variant of Uncertain Significance.